The following is an entry in ClinVar:

NM_001321075.3(DLG4):c.1907G>T (p.Arg636Leu)

Gene: DLG4 (discs large MAGUK scaffold protein 4; minus strand). Cytogenetic location: 17p13.1.
Variant type: single nucleotide variant.
Coding change: c.1907G>T on transcript NM_001321075.3 (MANE Select); coding-DNA position 1907, G replaced by T.
Protein change: p.Arg636Leu; replaces arginine 636 with leucine.
Molecular consequence: missense variant.
Genome position (GRCh38, 1-based): chr17:7,191,962, C>A on the plus strand (G>T on the coding strand, the complement: DLG4 is on the minus strand). VCF-style: chr17-7191962-C-A. GRCh37 (hg19) VCF-style: chr17-7095281-C-A.
Other names: c.1898G>T, p.Arg633Leu (NM_001128827.4); c.2027G>T, p.Arg676Leu (NM_001321074.1); c.1727G>T, p.Arg576Leu (NM_001321076.3, NM_001321077.3); c.2036G>T, p.Arg679Leu (NM_001365.5); c.1826G>T, p.Arg609Leu (NM_001369566.3); short protein forms R576L, R609L, R633L, R636L, R676L, R679L.
Identifiers: ClinVar variation 1331318 (VCV001331318.2), dbSNP rs1488126978, ClinGen allele CA397714467.

ClinVar aggregate classification (germline): Uncertain significance (1 of 4 stars; one submission).

Allele frequency attached by ClinVar (database versions not stated): gnomAD exomes below 0.00001.
gnomAD v4.1: 2 of 1,479,180 alleles (0.00014%); highest among the groups gnomAD compares: South Asian, 0.0014%; no homozygotes.

Submission:

GeneDx
Classification: Uncertain significance. Last evaluated: 2021-07-01. Review status: criteria provided, single submitter. Criteria: GeneDx Variant Classification Process June 2021. Collection method: clinical testing. Allele origin: germline. Affected: yes.
Comment: Not observed at significant frequency in large population cohorts (Lek et al., 2016); In silico analysis supports that this missense variant has a deleterious effect on protein structure/function; Has not been previously published as pathogenic or benign to our knowledge; This variant is associated with the following publications: (PMID: 27535533)